The following is an entry in ClinVar:

ClinVar aggregate classification (germline): Uncertain significance (1 of 4 stars; one submission).

Allele frequency attached by ClinVar (database versions not stated): gnomAD exomes below 0.00001; gnomAD 0.00001.
gnomAD v4.1: 2 of 1,613,932 alleles (0.00012%); highest among the groups gnomAD compares: Non-Finnish European, 0.00017%; no homozygotes.

Submission:

CeGaT Center for Human Genetics Tuebingen
Classification: Uncertain significance. Last evaluated: 2024-06-01. Review status: criteria provided, single submitter. Criteria: CeGaT Center For Human Genetics Tuebingen Variant Classification Criteria Version 2. Collection method: clinical testing. Allele origin: germline. Affected: yes. Observed: 1 variant allele.
Comment: SLC2A10: PM2, BP4

NM_030777.4(SLC2A10):c.620C>T (p.Pro207Leu)

Gene: SLC2A10 (solute carrier family 2 member 10; plus strand). Cytogenetic location: 20q13.12.
Variant type: single nucleotide variant.
Coding change: c.620C>T on transcript NM_030777.4 (MANE Select); coding-DNA position 620, C replaced by T.
Protein change: p.Pro207Leu; replaces proline 207 with leucine.
Molecular consequence: missense variant.
Genome position (GRCh38, 1-based): chr20:46,725,656, C>T. VCF-style: chr20-46725656-C-T. GRCh37 (hg19) VCF-style: chr20-45354295-C-T.
Other names: short protein forms P207L.
Identifiers: ClinVar variation 3239457 (VCV003239457.19), dbSNP rs1490369327.